The following is an entry in ClinVar:

NM_015202.5(KATNIP):c.920A>C (p.Asp307Ala)

Gene: KATNIP (katanin interacting protein; plus strand). Cytogenetic location: 16p12.1.
Variant type: single nucleotide variant.
Coding change: c.920A>C on transcript NM_015202.5 (MANE Select); coding-DNA position 920, A replaced by C.
Protein change: p.Asp307Ala; replaces aspartic acid 307 with alanine.
Molecular consequence: missense variant.
Genome position (GRCh38, 1-based): chr16:27,681,510, A>C. VCF-style: chr16-27681510-A-C. GRCh37 (hg19) VCF-style: chr16-27692831-A-C.
Other names: short protein forms D307A.
Identifiers: ClinVar variation 662899 (VCV000662899.8), dbSNP rs763516833, ClinGen allele CA395320763.

ClinVar aggregate classification (germline): Uncertain significance (1 of 4 stars; one submission).

Submission:

Labcorp Genetics (formerly Invitae), Labcorp
Classification: Uncertain significance. Last evaluated: 2018-10-04. Review status: criteria provided, single submitter. Criteria: Invitae Variant Classification Sherloc (09022015). Collection method: clinical testing. Allele origin: germline.
Comment: Algorithms developed to predict the effect of missense changes on protein structure and function (SIFT, PolyPhen-2, Align-GVGD) all suggest that this variant is likely to be tolerated, but these predictions have not been confirmed by published functional studies and their clinical significance is uncertain. This sequence change replaces aspartic acid with alanine at codon 307 of the KIAA0556 protein (p.Asp307Ala). The aspartic acid residue is weakly conserved and there is a moderate physicochemical difference between aspartic acid and alanine. This variant is not present in population databases (ExAC no frequency). This variant has not been reported in the literature in individuals with KIAA0556-related disease. In summary, the available evidence is currently insufficient to determine the role of this variant in disease. Therefore, it has been classified as a Variant of Uncertain Significance.